The following is an entry in ClinVar:

NM_001458.5(FLNC):c.2142C>A (p.Ile714=)

Genes: FLNC (filamin C; plus strand), LOC129999273 (ATAC-STARR-seq lymphoblastoid silent region 18616; plus strand). Cytogenetic location: 7q32.1.
Variant type: single nucleotide variant.
Coding change: c.2142C>A on transcript NM_001458.5 (MANE Select); coding-DNA position 2142, C replaced by A.
Protein change: p.Ile714=; no amino-acid change (isoleucine 714 retained).
Molecular consequence: synonymous variant.
Genome position (GRCh38, 1-based): chr7:128,842,251, C>A. VCF-style: chr7-128842251-C-A. GRCh37 (hg19) VCF-style: chr7-128482305-C-A.
Other names: p.Ile714=; c.2142C>A, p.Ile714= (NM_001127487.2).
Identifiers: ClinVar variation 571749 (VCV000571749.41), dbSNP rs199595235, ClinGen allele CA4474619.

ClinVar aggregate classification (germline): Likely benign. Review status: criteria provided, multiple submitters, no conflicts (2 of 4 stars). 7 submissions from 7 submitters: Likely benign (7). Last evaluated 2026-05-13.

Conditions:
Distal myopathy with posterior leg and anterior hand involvement. Also called: WILLIAMS DISTAL MYOPATHY. Identifiers: Orphanet 63273, MedGen C3279722, MONDO:0013550, OMIM 614065.
Myofibrillar myopathy 5. Also called: Filaminopathy (type); FILAMINOPATHY, AUTOSOMAL DOMINANT. Identifiers: Orphanet 171445, MedGen C1836050, MONDO:0012289, OMIM 609524.
Hypertrophic cardiomyopathy 26. Also called: Cardiomyopathy, familial hypertrophic, 26. Identifiers: Orphanet 75249, MedGen C4310749, MONDO:0014883, OMIM 617047.
FLNC-related disorder. Also called: FLNC-related disorders; FLNC-related condition.
Cardiovascular phenotype. Identifiers: MedGen CN230736.
Cardiomyopathy (CMYO). Also called: Cardiomyopathies. Identifiers: Orphanet 167848, MedGen C0878544, MONDO:0004994, HP:0001638. Inheritance: Various modes of inheritance.

Allele frequency attached by ClinVar (database versions not stated): TOPMed 0.00005.
gnomAD v4.1: 54 of 1,613,590 alleles (0.0033%); highest among the groups gnomAD compares: Non-Finnish European, 0.0036%; no homozygotes.

Submissions (7):

PreventionGenetics, part of Exact Sciences
Classification: Likely benign for FLNC-related condition. Last evaluated: 2026-05-13. Review status: criteria provided, single submitter. Criteria: ACMG Guidelines, 2015. Collection method: clinical testing. Allele origin: germline.
Comment: This variant is classified as likely benign based on ACMG/AMP sequence variant interpretation guidelines (Richards et al. 2015 PMID: 25741868, with internal and published modifications).

Labcorp Genetics (formerly Invitae), Labcorp
Classification: Likely benign for Distal myopathy with posterior leg and anterior hand involvement; Myofibrillar myopathy 5; Hypertrophic cardiomyopathy 26. Last evaluated: 2025-12-21. Review status: criteria provided, single submitter. Criteria: Invitae Variant Classification Sherloc (09022015). Collection method: clinical testing. Allele origin: germline.

Mayo Clinic Laboratories, Mayo Clinic
Classification: Likely benign. Last evaluated: 2025-04-15. Review status: criteria provided, single submitter. Criteria: ACMG Guidelines, 2015. Collection method: clinical testing. Allele origin: germline. Observed: 2 variant alleles.
Comment: BP4, BP7

CeGaT Center for Human Genetics Tuebingen
Classification: Likely benign. Last evaluated: 2024-12-01. Review status: criteria provided, single submitter. Criteria: CeGaT Center For Human Genetics Tuebingen Variant Classification Criteria Version 2. Collection method: clinical testing. Allele origin: germline. Affected: yes. Observed: 1 variant allele.
Comment: FLNC: BP4, BP7

Blueprint Genetics
Classification: Likely benign. Last evaluated: 2024-10-23. Review status: criteria provided, single submitter. Criteria: ACMG Guidelines, 2015. Collection method: clinical testing. Allele origin: germline.

CHEO Genetics Diagnostic Laboratory, Children's Hospital of Eastern Ontario
Classification: Likely benign for Cardiomyopathy. Last evaluated: 2022-11-07. Review status: criteria provided, single submitter. Criteria: ACMG Guidelines, 2015. Collection method: clinical testing. Allele origin: germline.

Ambry Genetics
Classification: Likely benign for Cardiovascular phenotype. Last evaluated: 2022-02-11. Review status: criteria provided, single submitter. Criteria: Ambry Variant Classification Scheme 2023. Collection method: clinical testing. Allele origin: germline.